The following is an entry in ClinVar:

NM_005219.5(DIAPH1):c.1641+16G>A

Gene: DIAPH1 (diaphanous related formin 1; minus strand). Cytogenetic location: 5q31.3.
Variant type: single nucleotide variant.
Coding change: c.1641+16G>A on transcript NM_005219.5 (MANE Select); 16 bases into the intron after coding-DNA position 1641, G replaced by A.
Molecular consequence: intron variant.
Genome position (GRCh38, 1-based): chr5:141,574,951, C>T on the plus strand (G>A on the coding strand, the complement: DIAPH1 is on the minus strand). VCF-style: chr5-141574951-C-T. GRCh37 (hg19) VCF-style: chr5-140954518-C-T.
Other names: c.1614+16G>A (NM_001079812.3); c.1641+16G>A (NM_001314007.2).
Identifiers: ClinVar variation 3757154 (VCV003757154.2).

ClinVar aggregate classification (germline): Uncertain significance (1 of 4 stars; one submission).

Conditions:
Autosomal dominant nonsyndromic hearing loss 1. Also called: KONIGSMARK SYNDROME; DEAFNESS, AUTOSOMAL DOMINANT 1, WITH OR WITHOUT THROMBOCYTOPENIA. Identifiers: Orphanet 90635, MedGen C1852282, MONDO:0007424, OMIM 124900.
Progressive microcephaly-seizures-cortical blindness-developmental delay syndrome. Also called: Seizures, cortical blindness, and microcephaly syndrome. Identifiers: Orphanet 477814, MedGen C5567650, MONDO:0014714, OMIM 616632.

gnomAD v4.1: 1 of 1,614,076 alleles (0.000062%); highest among the groups gnomAD compares: Admixed American, 0.0017%; no homozygotes.

Submission:

Labcorp Genetics (formerly Invitae), Labcorp
Classification: Uncertain significance for Progressive microcephaly-seizures-cortical blindness-developmental delay syndrome; Autosomal dominant nonsyndromic hearing loss 1. Last evaluated: 2024-07-06. Review status: criteria provided, single submitter. Criteria: Invitae Variant Classification Sherloc (09022015). Collection method: clinical testing. Allele origin: germline.
Comment: This sequence change falls in intron 15 of the DIAPH1 gene. It does not directly change the encoded amino acid sequence of the DIAPH1 protein. This variant is not present in population databases (gnomAD no frequency). This variant has not been reported in the literature in individuals affected with DIAPH1-related conditions. Algorithms developed to predict the effect of sequence changes on RNA splicing suggest that this variant may create or strengthen a splice site. In summary, the available evidence is currently insufficient to determine the role of this variant in disease. Therefore, it has been classified as a Variant of Uncertain Significance.